The following is an entry in ClinVar:

ClinVar aggregate classification (germline): Likely benign (1 of 4 stars; one submission).

Conditions:
PLXNA4-related disorder. Also called: PLXNA4-related condition.

gnomAD v4.1: 21 of 1,613,948 alleles (0.0013%); highest among the groups gnomAD compares: African/African-American, 0.0027%; no homozygotes.

Submission:

PreventionGenetics, part of Exact Sciences
Classification: Likely benign for PLXNA4-related condition. Last evaluated: 2024-10-30. Review status: criteria provided, single submitter. Criteria: ACMG Guidelines, 2015. Collection method: clinical testing. Allele origin: germline.
Comment: This variant is classified as likely benign based on ACMG/AMP sequence variant interpretation guidelines (Richards et al. 2015 PMID: 25741868, with internal and published modifications).

NM_020911.2(PLXNA4):c.4527T>C (p.Asn1509=)

Gene: PLXNA4 (plexin A4; minus strand). Cytogenetic location: 7q32.3.
Variant type: single nucleotide variant.
Coding change: c.4527T>C on transcript NM_020911.2 (MANE Select); coding-DNA position 4527, T replaced by C.
Protein change: p.Asn1509=; no amino-acid change (asparagine 1509 retained).
Molecular consequence: synonymous variant.
Genome position (GRCh38, 1-based): chr7:132,159,606, A>G on the plus strand (T>C on the coding strand, the complement: PLXNA4 is on the minus strand). VCF-style: chr7-132159606-A-G. GRCh37 (hg19) VCF-style: chr7-131844365-A-G.
Other names: c.4527T>C, p.Asn1509= (NM_001393897.1).
Identifiers: ClinVar variation 4988818 (VCV004988818.1).